The following is an entry in ClinVar:

NM_001004334.4(GPR179):c.4829T>G (p.Val1610Gly)

Gene: GPR179 (G protein-coupled receptor 179; minus strand). Cytogenetic location: 17q12.
Variant type: single nucleotide variant.
Coding change: c.4829T>G on transcript NM_001004334.4 (MANE Select); coding-DNA position 4829, T replaced by G.
Protein change: p.Val1610Gly; replaces valine 1610 with glycine.
Molecular consequence: missense variant.
Genome position (GRCh38, 1-based): chr17:38,328,740, A>C on the plus strand (T>G on the coding strand, the complement: GPR179 is on the minus strand). VCF-style: chr17-38328740-A-C. GRCh37 (hg19) VCF-style: chr17-36484623-A-C.
Other names: short protein forms V1610G.
Identifiers: ClinVar variation 1921626 (VCV001921626.4), dbSNP rs771112178, ClinGen allele CA290103902.

ClinVar aggregate classification (germline): Uncertain significance. Review status: criteria provided, multiple submitters, no conflicts (2 of 4 stars). 2 submissions from 2 submitters: Uncertain significance (2). Last evaluated 2024-05-21.

Allele frequency attached by ClinVar (database versions not stated): ExAC 0.00002; gnomAD exomes 0.00004.
gnomAD v4.1: 59 of 1,610,726 alleles (0.0037%); highest among the groups gnomAD compares: Non-Finnish European, 0.0047%; no homozygotes.

Submissions (2):

Blueprint Genetics
Classification: Uncertain significance. Last evaluated: 2024-05-21. Review status: criteria provided, single submitter. Criteria: ACMG Guidelines, 2015. Collection method: clinical testing. Allele origin: germline.

Labcorp Genetics (formerly Invitae), Labcorp
Classification: Uncertain significance. Last evaluated: 2022-02-20. Review status: criteria provided, single submitter. Criteria: Invitae Variant Classification Sherloc (09022015). Collection method: clinical testing. Allele origin: germline.
Comment: In summary, the available evidence is currently insufficient to determine the role of this variant in disease. Therefore, it has been classified as a Variant of Uncertain Significance. Algorithms developed to predict the effect of missense changes on protein structure and function are either unavailable or do not agree on the potential impact of this missense change (SIFT: "Deleterious"; PolyPhen-2: "Benign"; Align-GVGD: "Class C0"). This variant has not been reported in the literature in individuals affected with GPR179-related conditions. This variant is present in population databases (rs771112178, gnomAD 0.005%). This sequence change replaces valine, which is neutral and non-polar, with glycine, which is neutral and non-polar, at codon 1610 of the GPR179 protein (p.Val1610Gly).